The following is an entry in ClinVar:

ClinVar aggregate classification (germline): Benign. Review status: criteria provided, multiple submitters, no conflicts (2 of 4 stars). 4 submissions from 4 submitters: Benign (3). 1 of the submissions does not count toward it. Last evaluated 2021-07-14.

Conditions:
Severe hypotonia-psychomotor developmental delay-strabismus-cardiac septal defect syndrome. Also called: Hypotonia, infantile, with psychomotor retardation. Identifiers: Orphanet 467176, MedGen C4225196, MONDO:0014784, OMIM 616816.
CCDC174-related disorder. Also called: CCDC174-related condition.

Allele frequency attached by ClinVar (database versions not stated): 1000 Genomes Project 0.34545; ExAC 0.34914; 1000 Genomes Project 30x 0.35134; gnomAD exomes 0.35442; ESP Exome Variant Server 0.37798; gnomAD 0.38290 and 0.39015; TOPMed 0.39094.
gnomAD v4.1: 558,514 of 1,613,388 alleles (35%); highest among the groups gnomAD compares: African/African-American, 47%; 98,888 homozygotes.

Submissions (4):

Genome-Nilou Lab
Classification: Benign for Severe hypotonia-psychomotor developmental delay-strabismus-cardiac septal defect syndrome. Last evaluated: 2021-07-14. Review status: criteria provided, single submitter. Criteria: ACMG Guidelines, 2015. Collection method: clinical testing. Allele origin: germline. Affected: no.

GeneDx
Classification: Benign. Last evaluated: 2021-05-04. Review status: criteria provided, single submitter. Criteria: GeneDx Variant Classification Process June 2021. Collection method: clinical testing. Allele origin: germline. Affected: yes.

Breakthrough Genomics
Classification: Benign. Review status: criteria provided, single submitter. Criteria: ACMG Guidelines, 2015. Collection method: not provided. Allele origin: germline. Inheritance: Autosomal recessive inheritance. Affected: yes.

PreventionGenetics, part of Exact Sciences
Classification: Benign for CCDC174-related condition. Last evaluated: 2019-10-17. Review status: no assertion criteria provided. Collection method: clinical testing. Allele origin: germline. Not counted in ClinVar's aggregate classification.
Comment: This variant is classified as benign based on ACMG/AMP sequence variant interpretation guidelines (Richards et al. 2015 PMID: 25741868, with internal and published modifications).

NM_016474.5(CCDC174):c.1176G>A (p.Pro392=)

Gene: CCDC174 (coiled-coil domain containing 174; plus strand). Cytogenetic location: 3p25.1.
Variant type: single nucleotide variant.
Coding change: c.1176G>A on transcript NM_016474.5 (MANE Select); coding-DNA position 1176, G replaced by A.
Protein change: p.Pro392=; no amino-acid change (proline 392 retained).
Molecular consequence: synonymous variant. On other transcripts: non-coding transcript variant (1).
Genome position (GRCh38, 1-based): chr3:14,670,966, G>A. VCF-style: chr3-14670966-G-A. GRCh37 (hg19) VCF-style: chr3-14712473-G-A.
Other names: c.1176G>A (NM_016474.4).
Identifiers: ClinVar variation 1192656 (VCV001192656.9), dbSNP rs1901, ClinGen allele CA2270309.